The following is an entry in ClinVar:

NM_001904.4(CTNNB1):c.2138-1G>C

Gene: CTNNB1 (catenin beta 1; plus strand). Cytogenetic location: 3p22.1.
Variant type: single nucleotide variant.
Coding change: c.2138-1G>C on transcript NM_001904.4 (MANE Select); the canonical splice acceptor site of the intron before coding-DNA position 2138, G replaced by C.
Molecular consequence: splice acceptor variant.
Genome position (GRCh38, 1-based): chr3:41,239,133, G>C. VCF-style: chr3-41239133-G-C. GRCh37 (hg19) VCF-style: chr3-41280624-G-C.
Other names: c.2117-1G>C (NM_001330729.2); c.2138-1G>C (NM_001098209.2, NM_001098210.2).
Identifiers: ClinVar variation 384165 (VCV000384165.8), dbSNP rs1057521882, ClinGen allele CA16604595.

ClinVar aggregate classification (germline): Conflicting classifications of pathogenicity. Review status: criteria provided, conflicting classifications (1 of 4 stars). 2 submissions from 2 submitters: Likely pathogenic (1); Uncertain significance (1). Last evaluated 2020-10-19.

Submissions (2):

Labcorp Genetics (formerly Invitae), Labcorp
Classification: Uncertain significance. Last evaluated: 2020-10-19. Review status: criteria provided, single submitter. Criteria: Invitae Variant Classification Sherloc (09022015). Collection method: clinical testing. Allele origin: germline.
Comment: In summary, the available evidence is currently insufficient to determine the role of this variant in disease. Therefore, it has been classified as a Variant of Uncertain Significance. Nucleotide substitutions within the consensus splice site are a relatively common cause of aberrant splicing (PMID: 17576681, 9536098). Algorithms developed to predict the effect of sequence changes on RNA splicing suggest that this variant may disrupt the consensus splice site, but this prediction has not been confirmed by published transcriptional studies. This variant has not been reported in the literature in individuals with CTNNB1-related conditions. ClinVar contains an entry for this variant (Variation ID: 384165). This variant is not present in population databases (ExAC no frequency). This sequence change affects an acceptor splice site in intron 14 of the CTNNB1 gene. While this variant is not anticipated to result in nonsense mediated decay, it likely alters RNA splicing and results in a disrupted protein product.

GeneDx
Classification: Likely pathogenic. Last evaluated: 2017-06-30. Review status: criteria provided, single submitter. Criteria: GeneDx Variant Classification (06012015). Collection method: clinical testing. Allele origin: germline. Affected: yes.
Comment: The c.2138-1 G>C variant in the CTNNB1 gene has not been reported previously as a pathogenic variant nor as a benign variant, to our knowledge. This splice site variant destroys the canonical splice acceptor site in intron 14. It is predicted to cause abnormal gene splicing, either leading to an abnormal message that is subject to nonsense-mediated mRNA decay, or to an abnormal protein product if the message is used for protein translation. The c.2138-1 G>C variant was not observed in approximately 6500 individuals of European and African American ancestry in the NHLBI Exome Sequencing Project, indicating it is not a common benign variant in these populations. The c.2138-1 G>C variant is a strong candidate for a pathogenic variant, however, the possibility it may be a rare benign variant cannot be excluded.

Literature cited by the submitters: PubMed 17576681 (cited by Labcorp Genetics (formerly Invitae), Labcorp); PubMed 9536098 (cited by Labcorp Genetics (formerly Invitae), Labcorp).